The following is an entry in ClinVar:

ClinVar aggregate classification (germline): Uncertain significance (1 of 4 stars; one submission).

Conditions:
Ehlers-Danlos syndrome, classic type, 1 (EDSCL1). Also called: EHLERS-DANLOS SYNDROME, GRAVIS TYPE; EHLERS-DANLOS SYNDROME, SEVERE CLASSIC TYPE; Ehlers-Danlos syndrome, type 1; Ehlers-Danlos Syndrome, Classic Type, COL5A1-Related; EDS I. Identifiers: MedGen C0268335, MONDO:0019567, OMIM 130000.
Osteogenesis imperfecta type I (OI1). Also called: OI, TYPE I; OSTEOGENESIS IMPERFECTA TARDA; OSTEOGENESIS IMPERFECTA WITH BLUE SCLERAE; Osteogenesis imperfecta type 1; Lobstein's Disease; Lobstein disease. Identifiers: Orphanet 216796, Orphanet 666, MedGen C0023931, MONDO:0008146, OMIM 166200. Disease mechanism: loss of function.

Submission:

Labcorp Genetics (formerly Invitae), Labcorp
Classification: Uncertain significance for Osteogenesis imperfecta type I; Ehlers-Danlos syndrome, classic type, 1. Last evaluated: 2024-05-13. Review status: criteria provided, single submitter. Criteria: Invitae Variant Classification Sherloc (09022015). Collection method: clinical testing. Allele origin: germline.
Comment: This sequence change falls in intron 37 of the COL1A2 gene. It does not directly change the encoded amino acid sequence of the COL1A2 protein. It affects a nucleotide within the consensus splice site. This variant is not present in population databases (gnomAD no frequency). This variant has not been reported in the literature in individuals affected with COL1A2-related conditions. ClinVar contains an entry for this variant (Variation ID: 1477894). Variants that disrupt the consensus splice site are a relatively common cause of aberrant splicing (PMID: 17576681, 9536098). Algorithms developed to predict the effect of sequence changes on RNA splicing suggest that this variant may disrupt the consensus splice site. This variant disrupts the c.2295+5G nucleotide in the COL1A2 gene. Other variant(s) that disrupt this nucleotide have been determined to be pathogenic (PMID: 34557487). This suggests that this nucleotide is clinically significant, and that variants that disrupt this position are likely to be disease-causing. In summary, the available evidence is currently insufficient to determine the role of this variant in disease. Therefore, it has been classified as a Variant of Uncertain Significance.

Literature cited by the submitters: PubMed 17576681; PubMed 9536098; PubMed 34557487.

NM_000089.4(COL1A2):c.2295+5G>C

Gene: COL1A2 (collagen type I alpha 2 chain; plus strand). Cytogenetic location: 7q21.3.
Variant type: single nucleotide variant.
Coding change: c.2295+5G>C on transcript NM_000089.4 (MANE Select); 5 bases into the intron after coding-DNA position 2295, G replaced by C.
Molecular consequence: intron variant.
Genome position (GRCh38, 1-based): chr7:94,420,653, G>C. VCF-style: chr7-94420653-G-C. GRCh37 (hg19) VCF-style: chr7-94049965-G-C.
Identifiers: ClinVar variation 1477894 (VCV001477894.6), dbSNP rs2115932392, ClinGen allele CA2573142440.